The following is an entry in ClinVar:

ClinVar aggregate classification (germline): Conflicting classifications of pathogenicity. Review status: criteria provided, conflicting classifications (1 of 4 stars). 3 submissions from 3 submitters: Likely pathogenic (2); Uncertain significance (1). Last evaluated 2026-06-12.

Conditions:
RNU2-2 related disorder.
RNU2-2 related condition.
Neurodevelopmental disorder. Identifiers: MedGen C1535926, MeSH D065886, MONDO:0700092.

gnomAD v4.1: 11 of 152,194 alleles (0.0072%); highest among the groups gnomAD compares: African/African-American, 0.012%; no homozygotes.

Submissions (3):

Undiagnosed Diseases Network, NIH
Classification: Likely pathogenic for RNU2-2 related condition. Last evaluated: 2026-06-12. Review status: criteria provided, single submitter. Criteria: ACMG Guidelines, 2015. Collection method: clinical testing. Allele origin: paternal. Inheritance: Autosomal recessive inheritance. Affected: yes. Observed: 1 variant allele, 1 compound heterozygote. Study: Undiagnosed Diseases Network, UDN.

Broad Center for Mendelian Genomics, Broad Institute of MIT and Harvard
Classification: Uncertain significance for Neurodevelopmental disorder. Last evaluated: 2026-03-04. Review status: criteria provided, single submitter. Criteria: ACMG Guidelines, 2015. Collection method: research. Allele origin: germline. Inheritance: Autosomal recessive inheritance. Study: GREGoR Consortium.
Comment: The n.45C>T variant in RNU2-2 has been identified in the compound heterozygous state with another variant of uncertain significance in two siblings with global development delays, absent speech, hypotonia, seizure disorder, and IgA deficiency (Broad Institute Rare Genomes Project). This variant has been identified in 0.01% (5/41448) of African/African American chromosomes by gnomAD (v4.1.0) which is low enough allele frequency to be consistent with a recessive disorder. Furthermore, although this gene has been reported in association with a dominant neurodevelopmental disorder, this association has not been definitively established with a recessive mode of inheritance. In summary, the clinical significance of this variant is uncertain.

Institute for Human Genetics, University Hospital Essen
Classification: Likely pathogenic for RNU2-2 related disorder. Last evaluated: 2025-11-27. Review status: criteria provided, single submitter. Criteria: Submitter's publication. Collection method: clinical testing. Allele origin: germline. Inheritance: Autosomal recessive inheritance. Affected: yes. Observed: 11 variant alleles, 9 compound heterozygotes, 2 homozygotes.
Comment: PS4_mod, PM1, PM3, PP1_mod (criteria rationale detailed in Leitão et al. Nature Genetics 2026)

NR_199791.1(RNU2-2):n.45C>T

Genes: RNU2-2 (RNA, U2 small nuclear 2; minus strand), WDR74 (WD repeat domain 74; minus strand). Cytogenetic location: 11q12.3.
Variant type: single nucleotide variant.
Molecular consequence: non-coding transcript variant (on NR_199791.1). On other transcripts: 5 prime UTR variant (1).
Genome position: GRCh38 VCF-style: chr11-62841765-G-A. GRCh37 (hg19) VCF-style: chr11-62609237-G-A.
Other names: NM_001369451.1:c.-494C>T; c.-494C>T (NM_001369451.1).
Identifiers: ClinVar variation 4540480 (VCV004540480.3).